The following is an entry in ClinVar:

ClinVar aggregate classification (germline): Uncertain significance (1 of 4 stars; one submission).

Conditions:
Familial thoracic aortic aneurysm and aortic dissection (TAAD). Also called: Thoracic aortic aneurysms and dissections. Identifiers: Orphanet 91387, MedGen C4707243, MONDO:0019625.

Submission:

Ambry Genetics
Classification: Uncertain significance for Familial thoracic aortic aneurysm and aortic dissection. Last evaluated: 2026-01-12. Review status: criteria provided, single submitter. Criteria: Ambry Variant Classification Scheme 2023. Collection method: clinical testing. Allele origin: germline.
Comment: The p.G2638V variant (also known as c.7913G>T), located in coding exon 62 of the FBN2 gene, results from a G to T substitution at nucleotide position 7913. The glycine at codon 2638 is replaced by valine, an amino acid with dissimilar properties. This amino acid position is conserved. In addition, this alteration is predicted to be deleterious by in silico analysis. Based on the available evidence, the clinical significance of this variant remains unclear.

NM_001999.4(FBN2):c.7913G>T (p.Gly2638Val)

Gene: FBN2 (fibrillin 2; minus strand). Cytogenetic location: 5q23.3.
Variant type: single nucleotide variant.
Coding change: c.7913G>T on transcript NM_001999.4 (MANE Select); coding-DNA position 7913, G replaced by T.
Protein change: p.Gly2638Val; replaces glycine 2638 with valine.
Molecular consequence: missense variant.
Genome position (GRCh38, 1-based): chr5:128,272,046, C>A on the plus strand (G>T on the coding strand, the complement: FBN2 is on the minus strand). VCF-style: chr5-128272046-C-A. GRCh37 (hg19) VCF-style: chr5-127607738-C-A.
Other names: short protein forms G2638V.
Identifiers: ClinVar variation 4841637 (VCV004841637.1).